The following is an entry in ClinVar:

ClinVar aggregate classification (germline): Uncertain significance (1 of 4 stars; one submission).

Conditions:
Hereditary cancer-predisposing syndrome. Also called: Hereditary Cancer Syndrome; Hereditary neoplastic syndrome; Neoplastic Syndromes, Hereditary; Tumor predisposition. Identifiers: Orphanet 140162, MedGen C0027672, MeSH D009386, MONDO:0015356.

Submission:

Ambry Genetics
Classification: Uncertain significance for Hereditary cancer-predisposing syndrome. Last evaluated: 2022-02-26. Review status: criteria provided, single submitter. Criteria: Ambry Variant Classification Scheme 2023. Collection method: clinical testing. Allele origin: germline.
Comment: The p.G510V variant (also known as c.1529G>T), located in coding exon 9 of the KIT gene, results from a G to T substitution at nucleotide position 1529. The glycine at codon 510 is replaced by valine, an amino acid with dissimilar properties. This amino acid position is conserved. In addition, this alteration is predicted to be deleterious by in silico analysis. Since supporting evidence is limited at this time, the clinical significance of this alteration remains unclear.

NM_000222.3(KIT):c.1529G>T (p.Gly510Val)

Gene: KIT (KIT proto-oncogene, receptor tyrosine kinase; plus strand). Cytogenetic location: 4q12.
Variant type: single nucleotide variant.
Coding change: c.1529G>T on transcript NM_000222.3 (MANE Select); coding-DNA position 1529, G replaced by T.
Protein change: p.Gly510Val; replaces glycine 510 with valine.
Molecular consequence: missense variant. On other transcripts: splice donor variant (4).
Genome position (GRCh38, 1-based): chr4:54,726,039, G>T. VCF-style: chr4-54726039-G-T. GRCh37 (hg19) VCF-style: chr4-55592205-G-T.
Other names: c.1532G>T, p.Gly511Val (NM_001385284.1, NM_001385290.1); c.1529G>T, p.Gly510Val (NM_001385285.1); c.1531+1G>T (NM_001385288.1, NM_001385292.1); c.1528+1G>T (NM_001093772.2, NM_001385286.1); short protein forms G510V, G511V.
Identifiers: ClinVar variation 1774575 (VCV001774575.2), dbSNP rs2109769812, ClinGen allele CA356906716.
Genomic context (GRCh38, chr4:54,726,039, plus strand): 5'-AATGTAAGGCTTACAACGATGTGGGCAAGACTTCTGCCTATTTTAACTTTGCATTTAAAG[G>T]TAACAACAAAGGTATATTTCTTTTTAATCCAATTTAAGGGGATGTTTAGGCTCTGTCTAC-3'
Protein context (NP_000213.1, residues 500-520): TSAYFNFAFK[Gly510Val]NNKEQIHPHT